The following is an entry in ClinVar:

ClinVar aggregate classification (germline): Pathogenic (1 of 4 stars; one submission).

Conditions:
Nephronophthisis. Also called: Juvenile Nephronophthisis. Identifiers: Orphanet 655, MedGen C0687120, MONDO:0019005, HP:0000090.

Submission:

Labcorp Genetics (formerly Invitae), Labcorp
Classification: Pathogenic for Nephronophthisis. Last evaluated: 2023-08-17. Review status: criteria provided, single submitter. Criteria: Invitae Variant Classification Sherloc (09022015). Collection method: clinical testing. Allele origin: germline.
Comment: This variant has not been reported in the literature in individuals affected with NPHP1-related conditions. This variant is present in population databases (rs772953015, gnomAD 0.0009%). This sequence change creates a premature translational stop signal (p.Phe673Ilefs*9) in the NPHP1 gene. While this is not anticipated to result in nonsense mediated decay, it is expected to disrupt the last 61 amino acid(s) of the NPHP1 protein. For these reasons, this variant has been classified as Pathogenic. This variant disrupts a region of the NPHP1 protein in which other variant(s) (p.Ser718*) have been determined to be pathogenic (PMID: 23559409). This suggests that this is a clinically significant region of the protein, and that variants that disrupt it are likely to be disease-causing.

Literature cited by the submitters: PubMed 23559409.

NM_001128178.3(NPHP1):c.1847dup (p.Phe617fs)

Gene: NPHP1 (nephrocystin 1; minus strand). Cytogenetic location: 2q13.
Variant type: Duplication.
Coding change: c.1847dup on transcript NM_001128178.3 (MANE Select); coding-DNA position 1847, one base duplicated (C; older notation c.1847dupC).
Protein change: p.Phe617fs; shifts the reading frame from phenylalanine 617.
Molecular consequence: frameshift variant. On other transcripts: 3 prime UTR variant (1).
Genome position (GRCh38, 1-based): chr2:110,123,978, G duplicated on the plus strand (C on the coding strand, the reverse complement: NPHP1 is on the minus strand); the first of 5 consecutive G bases (chr2:110,123,978-110,123,982); duplicating any one gives the same sequence. VCF-style (leftmost placement, unchanged base first): chr2-110123977-T-TG. GRCh37 (hg19) VCF-style: chr2-110881554-T-TG.
Other names: c.2015dup, p.Phe673fs (NM_000272.5); c.1658dup, p.Phe554fs (NM_001128179.3); c.1844dup, p.Phe616fs (NM_001374256.1); c.*89dup (NM_001374257.1); c.2012dup, p.Phe672fs (NM_207181.4); short protein forms F673fs, F616fs, F672fs, F554fs, F617fs.
Identifiers: ClinVar variation 2724981 (VCV002724981.3), dbSNP rs772953015, ClinGen allele CA1826857.